The following is an entry in ClinVar:

NM_005918.4(MDH2):c.413G>A (p.Cys138Tyr)

Gene: MDH2 (malate dehydrogenase 2; plus strand). Cytogenetic location: 7q11.23.
Variant type: single nucleotide variant.
Coding change: c.413G>A on transcript NM_005918.4 (MANE Select); coding-DNA position 413, G replaced by A.
Protein change: p.Cys138Tyr; replaces cysteine 138 with tyrosine.
Molecular consequence: missense variant.
Genome position (GRCh38, 1-based): chr7:76,058,062, G>A. VCF-style: chr7-76058062-G-A. GRCh37 (hg19) VCF-style: chr7-75687380-G-A.
Other names: c.413G>A, p.Cys138Tyr (NM_001282403.2); c.92G>A, p.Cys31Tyr (NM_001282404.2); short protein forms C31Y, C138Y.
Identifiers: ClinVar variation 1738144 (VCV001738144.2), dbSNP rs1797837522, ClinGen allele CA367764485.

ClinVar aggregate classification (germline): Uncertain significance (1 of 4 stars; one submission).

Conditions:
Inborn genetic diseases. Identifiers: MedGen C0950123, MeSH D030342.

Allele frequency attached by ClinVar (database versions not stated): gnomAD exomes below 0.00001; gnomAD 0.00001.
gnomAD v4.1: 3 of 1,613,182 alleles (0.00019%); highest among the groups gnomAD compares: African/African-American, 0.0027%; no homozygotes.

Submission:

Ambry Genetics
Classification: Uncertain significance for Inborn genetic diseases. Last evaluated: 2022-03-07. Review status: criteria provided, single submitter. Criteria: Ambry Variant Classification Scheme 2023. Collection method: clinical testing. Allele origin: germline.
Comment: The p.C138Y variant (also known as c.413G>A), located in coding exon 4 of the MDH2 gene, results from a G to A substitution at nucleotide position 413. The cysteine at codon 138 is replaced by tyrosine, an amino acid with highly dissimilar properties. This amino acid position is conserved. In addition, this alteration is predicted to be deleterious by in silico analysis. Since supporting evidence is limited at this time, the clinical significance of this alteration remains unclear.